The following is an entry in ClinVar:

NM_001963.6(EGF):c.*1222A>G

Gene: EGF (epidermal growth factor; plus strand). Cytogenetic location: 4q25.
Variant type: single nucleotide variant.
Coding change: c.*1222A>G on transcript NM_001963.6 (MANE Select); 1222 bases downstream of the stop codon, A replaced by G.
Molecular consequence: 3 prime UTR variant.
Genome position (GRCh38, 1-based): chr4:110,012,677, A>G. VCF-style: chr4-110012677-A-G. GRCh37 (hg19) VCF-style: chr4-110933833-A-G.
Other names: c.*1222A>G (NM_001178130.3, NM_001178131.3); c.*1365A>G (NM_001357021.2).
Identifiers: ClinVar variation 347282 (VCV000347282.5), dbSNP rs11569149, ClinGen allele CA10616920.
Genomic context (GRCh38, chr4:110,012,677, plus strand): 5'-GCAAGGTCGTGCTGGTAATTTTGCAAAATGAATTGTGATTGACTTTCAGCCTCCCAACGT[A>G]TTAGATTATAGGCATTAGCCATGGTGCCCAGCCTTGTAACTTTTAAAAAAATTTTTTAAT-3'

ClinVar aggregate classification (germline): Benign (1 of 4 stars; one submission).

Conditions:
Renal hypomagnesemia 4. Also called: HYPOMAGNESEMIA, RENAL, NORMOCALCIURIC. Identifiers: Orphanet 34527, MedGen C2673648, MONDO:0012717, OMIM 611718.

Allele frequency attached by ClinVar (database versions not stated): gnomAD 0.03967 and 0.04187; TOPMed 0.05588; 1000 Genomes Project 0.08886; 1000 Genomes Project 30x 0.09119.
gnomAD v4.1: 6,321 of 152,208 alleles (4.2%); highest among the groups gnomAD compares: East Asian, 17%; 321 homozygotes.

Submission:

Illumina Laboratory Services, Illumina
Classification: Benign for Renal hypomagnesemia 4. Last evaluated: 2018-01-13. Review status: criteria provided, single submitter. Criteria: ICSL Variant Classification Criteria 13 December 2019. Collection method: clinical testing. Allele origin: germline.
Comment: This variant was observed in the ICSL laboratory as part of a predisposition screen in an ostensibly healthy population. It had not been previously curated by ICSL or reported in the Human Gene Mutation Database (HGMD: prior to June 1st, 2018), and was therefore a candidate for classification through an automated scoring system. Utilizing variant allele frequency, disease prevalence and penetrance estimates, and inheritance mode, an automated score was calculated to assess if this variant is too frequent to cause the disease. Based on the score and internal cut-off values, a variant classified as benign is not then subjected to further curation. The score for this variant resulted in a classification of benign for this disease.